The following is an entry in ClinVar:

ClinVar aggregate classification (germline): Uncertain significance (1 of 4 stars; one submission).

Conditions:
Hereditary diffuse leukoencephalopathy with spheroids. Also called: LEUKOENCEPHALOPATHY, ADULT-ONSET, WITH AXONAL SPHEROIDS AND PIGMENTED GLIA. Identifiers: Orphanet 313808, MedGen C3711381, MONDO:0030796.

Submission:

Neuberg Centre For Genomic Medicine, NCGM
Classification: Uncertain significance for Leukoencephalopathy, diffuse hereditary, with spheroids 1. Review status: criteria provided, single submitter. Criteria: ACMG Guidelines, 2015. Collection method: clinical testing. Allele origin: germline. Affected: yes.
Comment: The missense variant p.P857R in CSF1R (NM_001288705.3) has not been reported previously as a pathogenic variant nor as a benign variant, to our knowledge. The p.P857R variant is novel (not in any individuals) in gnomAD Exomes and is novel (not in any individuals) in 1000 Genomes. The p.P857R missense variant is predicted to be damaging by both SIFT and PolyPhen2. The proline residue at codon 857 of CSF1R is conserved in all mammalian species. The nucleotide c.2570 in CSF1R is predicted conserved by GERP++ and PhyloP across 100 vertebrates. For these reasons, this variant has been classified as Uncertain Significance.

NM_001288705.3(CSF1R):c.2570C>G (p.Pro857Arg)

Gene: CSF1R (colony stimulating factor 1 receptor; minus strand). Cytogenetic location: 5q32.
Variant type: single nucleotide variant.
Coding change: c.2570C>G on transcript NM_001288705.3 (MANE Select); coding-DNA position 2570, C replaced by G.
Protein change: p.Pro857Arg; replaces proline 857 with arginine.
Molecular consequence: missense variant. On other transcripts: non-coding transcript variant (2).
Genome position (GRCh38, 1-based): chr5:150,055,321, G>C on the plus strand (C>G on the coding strand, the complement: CSF1R is on the minus strand). VCF-style: chr5-150055321-G-C. GRCh37 (hg19) VCF-style: chr5-149434884-G-C.
Other names: c.2570C>G, p.Pro857Arg (NM_001349736.2, NM_001375320.1, NM_005211.4); c.2126C>G, p.Pro709Arg (NM_001375321.1); short protein forms P709R, P857R.
Identifiers: ClinVar variation 1339109 (VCV001339109.2), dbSNP rs2113776517, ClinGen allele CA361758136.